The following is an entry in ClinVar:

NM_004603.4(STX1A):c.677A>G (p.Gln226Arg)

Gene: STX1A (syntaxin 1A; minus strand). Cytogenetic location: 7q11.23.
Variant type: single nucleotide variant.
Coding change: c.677A>G on transcript NM_004603.4 (MANE Select); coding-DNA position 677, A replaced by G.
Protein change: p.Gln226Arg; replaces glutamine 226 with arginine.
Molecular consequence: missense variant.
Genome position (GRCh38, 1-based): chr7:73,702,846, T>C on the plus strand (A>G on the coding strand, the complement: STX1A is on the minus strand). VCF-style: chr7-73702846-T-C. GRCh37 (hg19) VCF-style: chr7-73117176-T-C.
Other names: c.677A>G, p.Gln226Arg (NM_001165903.2); short protein forms Q226R.
Identifiers: ClinVar variation 1679131 (VCV001679131.1), dbSNP rs2116730958, ClinGen allele CA367834988.
Genomic context (GRCh38, chr7:73,702,846, plus strand): 5'-AGTGCAGCCCTGGGTGCTGGTGTGGGCTGGAGTGGAGGGCAGGGGGGCCCGGCACTCACC[T>C]GGCTCTCCACGAGCATGGCCATGTCCATGAACATGTCGTGTAGCTCACGGATGCTGTTCT-3'
Protein context (NP_004594.1, residues 216-236): FMDMAMLVES[Gln226Arg]GEMIDRIEYN

ClinVar aggregate classification (germline): Likely pathogenic (1 of 4 stars; one submission).

Conditions:
Intellectual disability. Also called: Intellectual developmental disorder; Intellectual functioning disability; intellectual disabilities. Identifiers: MedGen C3714756, MeSH D008607, MONDO:0001071, HP:0001249.
Seizure. Also called: Seizures. Identifiers: MedGen C0036572, HP:0001250.

Submission:

Institute of Human Genetics, University of Leipzig Medical Center
Classification: Likely pathogenic for Intellectual disability; Seizure. Last evaluated: 2022-04-22. Review status: criteria provided, single submitter. Criteria: ACMG Guidelines, 2015. Collection method: research. Allele origin: de novo. Affected: yes.
Comment: This variant was identified as de novo.

Literature cited by the submitters: DOI doi.org/10.1101/2022.04.20.22274073.